The following is an entry in ClinVar:

ClinVar aggregate classification (germline): Uncertain significance (1 of 4 stars; one submission).

Submission:

Labcorp Genetics (formerly Invitae), Labcorp
Classification: Uncertain significance. Last evaluated: 2024-10-30. Review status: criteria provided, single submitter. Criteria: Invitae Variant Classification Sherloc (09022015). Collection method: clinical testing. Allele origin: germline.
Comment: This sequence change replaces alanine, which is neutral and non-polar, with aspartic acid, which is acidic and polar, at codon 548 of the THBD protein (p.Ala548Asp). This variant is not present in population databases (gnomAD no frequency). This variant has not been reported in the literature in individuals affected with THBD-related conditions. ClinVar contains an entry for this variant (Variation ID: 2787310). Invitae Evidence Modeling of protein sequence and biophysical properties (such as structural, functional, and spatial information, amino acid conservation, physicochemical variation, residue mobility, and thermodynamic stability) has been performed for this missense variant. However, the output from this modeling did not meet the statistical confidence thresholds required to predict the impact of this variant on THBD protein function. In summary, the available evidence is currently insufficient to determine the role of this variant in disease. Therefore, it has been classified as a Variant of Uncertain Significance.

NM_000361.3(THBD):c.1643C>A (p.Ala548Asp)

Gene: THBD (thrombomodulin; minus strand). Cytogenetic location: 20p11.21.
Variant type: single nucleotide variant.
Coding change: c.1643C>A on transcript NM_000361.3 (MANE Select); coding-DNA position 1643, C replaced by A.
Protein change: p.Ala548Asp; replaces alanine 548 with aspartic acid.
Molecular consequence: missense variant.
Genome position (GRCh38, 1-based): chr20:23,047,862, G>T on the plus strand (C>A on the coding strand, the complement: THBD is on the minus strand). VCF-style: chr20-23047862-G-T. GRCh37 (hg19) VCF-style: chr20-23028499-G-T.
Other names: short protein forms A548D.
Identifiers: ClinVar variation 2787310 (VCV002787310.3), dbSNP rs2515202317, ClinGen allele CA408405112.